The following is an entry in ClinVar:

NM_001267550.2(TTN):c.49049-2A>C

Genes: TTN-AS1 (TTN antisense RNA 1; plus strand), TTN (titin; minus strand), LOC126806426 (BRD4-independent group 4 enhancer GRCh37_chr2:179478848-179480047; plus strand). Cytogenetic location: 2q31.2.
Variant type: single nucleotide variant.
Coding change: c.49049-2A>C on transcript NM_001267550.2 (MANE Select); the canonical splice acceptor site of the intron before coding-DNA position 49049, A replaced by C.
Molecular consequence: splice acceptor variant. On other transcripts: non-coding transcript variant (1).
Genome position (GRCh38, 1-based): chr2:178,614,350, T>G on the plus strand (A>C on the coding strand, the complement: TTN is on the minus strand). VCF-style: chr2-178614350-T-G. GRCh37 (hg19) VCF-style: chr2-179479077-T-G.
Other names: c.21854-2A>C (NM_003319.4); c.22430-2A>C (NM_133437.4); c.22229-2A>C (NM_133432.3); c.41345-2A>C (NM_133378.4); c.44126-2A>C (NM_001256850.1).
Identifiers: ClinVar variation 2943177 (VCV002943177.3), dbSNP rs2470658624, ClinGen allele CA349606840.
Genomic context (GRCh38, chr2:178,614,350, plus strand): 5'-AAGACATGACTCATTGGTTACATCTGTGATGTCAAAGGCAGCTGGTGGTCCGGGTTTATC[T>G]GTGTATGGCATTACAGATGCAGAAAAAAAAATTGTTCACCATTTTTTTTATTTTTTTCTT-3'

ClinVar aggregate classification (germline): Likely pathogenic (1 of 4 stars; one submission).

Conditions:
Dilated cardiomyopathy 1G (CMD1G). Identifiers: Orphanet 154, MedGen C1858763, MONDO:0011400, OMIM 604145.
Autosomal recessive limb-girdle muscular dystrophy type 2J (LGMDR10). Also called: MUSCULAR DYSTROPHY, LIMB-GIRDLE, AUTOSOMAL RECESSIVE 10; Limb-girdle muscular dystrophy, type 2J. Identifiers: Orphanet 140922, MedGen C1837342, MONDO:0012127, OMIM 608807.

Submission:

Labcorp Genetics (formerly Invitae), Labcorp
Classification: Likely pathogenic for Dilated cardiomyopathy 1G; Autosomal recessive limb-girdle muscular dystrophy type 2J. Last evaluated: 2025-03-04. Review status: criteria provided, single submitter. Criteria: Invitae Variant Classification Sherloc (09022015). Collection method: clinical testing. Allele origin: germline.
Comment: This sequence change affects an acceptor splice site in intron 261 of the TTN gene. It is expected to disrupt RNA splicing and likely results in a truncated or disrupted TTN protein. This variant is not present in population databases (gnomAD no frequency). This variant has not been reported in the literature in individuals affected with TTN-related conditions. ClinVar contains an entry for this variant (Variation ID: 2943177). Algorithms developed to predict the effect of sequence changes on RNA splicing suggest that this variant may disrupt the consensus splice site. This variant is located in the A band of TTN (PMID: 25589632). Truncating variants in this region are significantly overrepresented in patients affected with dilated cardiomyopathy (PMID: 25589632). Truncating variants in this region have also been reported in individuals affected with autosomal recessive centronuclear myopathy (PMID: 23975875). In summary, the currently available evidence indicates that the variant is pathogenic, but additional data are needed to prove that conclusively. Therefore, this variant has been classified as Likely Pathogenic.

Literature cited by the submitters: PubMed 25589632; PubMed 23975875.